The following is an entry in ClinVar:

NM_007259.5(VPS45):c.1072G>A (p.Ala358Thr)

Gene: VPS45 (vacuolar protein sorting 45 homolog; plus strand). Cytogenetic location: 1q21.2.
Variant type: single nucleotide variant.
Coding change: c.1072G>A on transcript NM_007259.5 (MANE Select); coding-DNA position 1072, G replaced by A.
Protein change: p.Ala358Thr; replaces alanine 358 with threonine.
Molecular consequence: missense variant. On other transcripts: non-coding transcript variant (1).
Genome position (GRCh38, 1-based): chr1:150,082,851, G>A. VCF-style: chr1-150082851-G-A. GRCh37 (hg19) VCF-style: chr1-150054935-G-A.
Other names: c.757G>A, p.Ala253Thr (NM_001279353.2); c.964G>A, p.Ala322Thr (NM_001279354.2); short protein forms A322T, A358T, A253T.
Identifiers: ClinVar variation 2125660 (VCV002125660.4), dbSNP rs1553799765, ClinGen allele CA342253107.

ClinVar aggregate classification (germline): Uncertain significance (1 of 4 stars; one submission).

Conditions:
Congenital neutropenia-myelofibrosis-nephromegaly syndrome. Also called: Severe congenital neutropenia 5, autosomal recessive. Identifiers: Orphanet 369852, MedGen C3809031, MONDO:0014118, OMIM 615285.

Allele frequency attached by ClinVar (database versions not stated): gnomAD exomes below 0.00001.
gnomAD v4.1: 1 of 1,614,100 alleles (0.000062%); highest among the groups gnomAD compares: Non-Finnish European, 0.000085%; no homozygotes.

Submission:

Labcorp Genetics (formerly Invitae), Labcorp
Classification: Uncertain significance for Congenital neutropenia-myelofibrosis-nephromegaly syndrome. Last evaluated: 2022-04-12. Review status: criteria provided, single submitter. Criteria: Invitae Variant Classification Sherloc (09022015). Collection method: clinical testing. Allele origin: germline.
Comment: In summary, the available evidence is currently insufficient to determine the role of this variant in disease. Therefore, it has been classified as a Variant of Uncertain Significance. Algorithms developed to predict the effect of missense changes on protein structure and function (SIFT, PolyPhen-2, Align-GVGD) all suggest that this variant is likely to be tolerated. This variant has not been reported in the literature in individuals affected with VPS45-related conditions. This variant is present in population databases (no rsID available, gnomAD 0.0009%). This sequence change replaces alanine, which is neutral and non-polar, with threonine, which is neutral and polar, at codon 358 of the VPS45 protein (p.Ala358Thr).